The following is an entry in ClinVar:

ClinVar aggregate classification (germline): Uncertain significance (1 of 4 stars; one submission).

Conditions:
Birt-Hogg-Dube syndrome. Also called: Birt Hogg Dubé syndrome. Identifiers: Orphanet 122, MedGen C0346010, MONDO:0800444.

Submission:

Labcorp Genetics (formerly Invitae), Labcorp
Classification: Uncertain significance for Birt-Hogg-Dube syndrome. Last evaluated: 2022-02-24. Review status: criteria provided, single submitter. Criteria: Invitae Variant Classification Sherloc (09022015). Collection method: clinical testing. Allele origin: germline.
Comment: In summary, the available evidence is currently insufficient to determine the role of this variant in disease. Therefore, it has been classified as a Variant of Uncertain Significance. Algorithms developed to predict the effect of missense changes on protein structure and function (SIFT, PolyPhen-2, Align-GVGD) all suggest that this variant is likely to be tolerated. This variant has not been reported in the literature in individuals affected with FLCN-related conditions. This variant is not present in population databases (gnomAD no frequency). This sequence change replaces histidine, which is basic and polar, with glutamine, which is neutral and polar, at codon 351 of the FLCN protein (p.His351Gln).

NM_144997.7(FLCN):c.1053C>G (p.His351Gln)

Gene: FLCN (folliculin; minus strand). Cytogenetic location: 17p11.2.
Variant type: single nucleotide variant.
Coding change: c.1053C>G on transcript NM_144997.7 (MANE Select); coding-DNA position 1053, C replaced by G.
Protein change: p.His351Gln; replaces histidine 351 with glutamine.
Molecular consequence: missense variant.
Genome position (GRCh38, 1-based): chr17:17,219,028, G>C on the plus strand (C>G on the coding strand, the complement: FLCN is on the minus strand). VCF-style: chr17-17219028-G-C. GRCh37 (hg19) VCF-style: chr17-17122342-G-C.
Other names: c.1107C>G, p.His369Gln (NM_001353229.2); c.1053C>G, p.His351Gln (NM_001353230.2, NM_001353231.2); short protein forms H369Q, H351Q.
Identifiers: ClinVar variation 2139819 (VCV002139819.4), dbSNP rs2144893286, ClinGen allele CA398532639.